The following is an entry in ClinVar:

ClinVar aggregate classification (germline): Uncertain significance. Review status: criteria provided, multiple submitters, no conflicts (2 of 4 stars). 2 submissions from 2 submitters: Uncertain significance (2). Last evaluated 2026-05-14.

Conditions:
Cardiovascular phenotype. Identifiers: MedGen CN230736.
Progressive familial heart block type IB (PFHB1B). Identifiers: Orphanet 871, MedGen C1970298, MONDO:0011474, OMIM 604559.

Allele frequency attached by ClinVar (database versions not stated): gnomAD 0.00001; gnomAD exomes below 0.00001.
gnomAD v4.1: 3 of 1,614,012 alleles (0.00019%); highest among the groups gnomAD compares: Admixed American, 0.0017%; no homozygotes.

Submissions (2):

Ambry Genetics
Classification: Uncertain significance for Cardiovascular phenotype. Last evaluated: 2026-05-14. Review status: criteria provided, single submitter. Criteria: Ambry Variant Classification Scheme 2023. Collection method: clinical testing. Allele origin: germline.
Comment: The p.I708T variant (also known as c.2123T>C), located in coding exon 15 of the TRPM4 gene, results from a T to C substitution at nucleotide position 2123. The isoleucine at codon 708 is replaced by threonine, an amino acid with similar properties. This amino acid position is conserved. In addition, the in silico prediction for this alteration is inconclusive. Based on the available evidence, the clinical significance of this variant remains unclear.

Labcorp Genetics (formerly Invitae), Labcorp
Classification: Uncertain significance for Progressive familial heart block type IB. Last evaluated: 2024-11-05. Review status: criteria provided, single submitter. Criteria: Invitae Variant Classification Sherloc (09022015). Collection method: clinical testing. Allele origin: germline.
Comment: This sequence change replaces isoleucine, which is neutral and non-polar, with threonine, which is neutral and polar, at codon 708 of the TRPM4 protein (p.Ile708Thr). This variant is present in population databases (no rsID available, gnomAD 0.003%). This variant has not been reported in the literature in individuals affected with TRPM4-related conditions. ClinVar contains an entry for this variant (Variation ID: 1406194). An algorithm developed to predict the effect of missense changes on protein structure and function (PolyPhen-2) suggests that this variant is likely to be disruptive. In summary, the available evidence is currently insufficient to determine the role of this variant in disease. Therefore, it has been classified as a Variant of Uncertain Significance.

NM_017636.4(TRPM4):c.2123T>C (p.Ile708Thr)

Gene: TRPM4 (transient receptor potential cation channel subfamily M member 4; plus strand). Cytogenetic location: 19q13.33.
Variant type: single nucleotide variant.
Coding change: c.2123T>C on transcript NM_017636.4 (MANE Select); coding-DNA position 2123, T replaced by C.
Protein change: p.Ile708Thr; replaces isoleucine 708 with threonine.
Molecular consequence: missense variant.
Genome position (GRCh38, 1-based): chr19:49,190,311, T>C. VCF-style: chr19-49190311-T-C. GRCh37 (hg19) VCF-style: chr19-49693568-T-C.
Other names: c.2123T>C, p.Ile708Thr (NM_001195227.2); c.1778T>C, p.Ile593Thr (NM_001321281.2); c.515T>C, p.Ile172Thr (NM_001321282.2); c.1601T>C, p.Ile534Thr (NM_001321283.2); c.1061T>C, p.Ile354Thr (NM_001321285.2); c.2123T>C (NM_017636.3); short protein forms I708T, I172T, I534T, I593T, I354T.
Identifiers: ClinVar variation 1406194 (VCV001406194.7), dbSNP rs1437948635, ClinGen allele CA406805542.
Genomic context (GRCh38, chr19:49,190,311, plus strand): 5'-CACCCATCTGGGCCCTGGTTCTCGCCTTCTTTTGCCCTCCACTCATCTACACCCGCCTCA[T>C]CACCTTCAGGTCAGTACCCTGGGGTGAGAGTGGTGGGGATGGGGGCGGGGTGCTCAGTTT-3'
Protein context (NP_060106.2, residues 698-718): FCPPLIYTRL[Ile708Thr]TFRKSEEEPT